The following is an entry in ClinVar:

NM_006565.4(CTCF):c.1004G>A (p.Gly335Glu)

Gene: CTCF (CCCTC-binding factor; plus strand). Cytogenetic location: 16q22.1.
Variant type: single nucleotide variant.
Coding change: c.1004G>A on transcript NM_006565.4 (MANE Select); coding-DNA position 1004, G replaced by A.
Protein change: p.Gly335Glu; replaces glycine 335 with glutamic acid.
Molecular consequence: missense variant.
Genome position (GRCh38, 1-based): chr16:67,616,796, G>A. VCF-style: chr16-67616796-G-A. GRCh37 (hg19) VCF-style: chr16-67650699-G-A.
Other names: c.20G>A, p.Gly7Glu (NM_001191022.2); c.1004G>A, p.Gly335Glu (NM_001363916.2, NM_001438968.1, NM_001438969.1); short protein forms G335E, G7E.
Identifiers: ClinVar variation 4996221 (VCV004996221.1).
Genomic context (GRCh38, chr16:67,616,796, plus strand): 5'-TTTCTCTAGGTACTCGTCCTCACAAGTGCCCAGACTGCGACATGGCCTTTGTGACCAGTG[G>A]AGAATTGGTTCGGCATCGTCGTTACAAACACACCCACGAGAAGCCATTCAAGTGTTCCAT-3'
Protein context (NP_006556.1, residues 325-345): PDCDMAFVTS[Gly335Glu]ELVRHRRYKH

ClinVar aggregate classification (germline): Uncertain significance. Review status: criteria provided, multiple submitters, no conflicts (2 of 4 stars). 2 submissions from 2 submitters: Uncertain significance (2). Last evaluated 2026-03-11.

Conditions:
CTCF-related disorder. Also called: CTCF-related condition. Identifiers: MedGen CN381101.

Submissions (2):

GeneDx
Classification: Uncertain significance. Last evaluated: 2026-03-11. Review status: criteria provided, single submitter. Criteria: GeneDx Variant Classification Process June 2021. Collection method: clinical testing. Allele origin: germline.
Comment: Not observed at significant frequency in large population cohorts (gnomAD); In silico analysis supports that this missense variant has a deleterious effect on protein structure/function; Has not been previously published as pathogenic or benign to our knowledge.

PreventionGenetics, part of Exact Sciences
Classification: Uncertain significance for CTCF-related condition. Last evaluated: 2025-11-19. Review status: criteria provided, single submitter. Criteria: ACMG Guidelines, 2015. Collection method: clinical testing. Allele origin: germline.
Comment: The CTCF c.1004G>A variant is predicted to result in the amino acid substitution p.Gly335Glu. To our knowledge, this variant has not been reported in the literature or in a large population database (gnomAD), indicating it is rare. An alternate missense change impacting the same amino acid (p.Gly335Arg) has been reported to have occurred de novo in an individual with neurodevelopmental disorder (Table S1, Valverde de Morales et al. 2022. PubMed ID: 36454652). At this time, the clinical significance of the c.1004G>A (p.Gly335Glu) variant is uncertain due to the absence of conclusive functional and genetic evidence.